The following is an entry in ClinVar:

ClinVar aggregate classification (germline): Conflicting classifications of pathogenicity. Review status: criteria provided, conflicting classifications (1 of 4 stars). 7 submissions from 7 submitters: Uncertain significance (5); Likely benign (1). 1 of the submissions does not count toward it. Last evaluated 2026-01-11.

Conditions:
Hereditary cancer-predisposing syndrome. Also called: Tumor predisposition; Hereditary neoplastic syndrome; Hereditary Cancer Syndrome; Neoplastic Syndromes, Hereditary. Identifiers: Orphanet 140162, MedGen C0027672, MeSH D009386, MONDO:0015356.
Hereditary breast ovarian cancer syndrome. Also called: Hereditary breast and/or ovarian cancer syndrome; Breast and ovarian cancer; Hereditary breast and ovarian cancer syndrome; Hereditary breast and ovarian cancer; Hereditary breast and ovarian cancer syndrome (HBOC); BRCA1- and BRCA2-Associated Hereditary Breast and Ovarian Cancer. Identifiers: Orphanet 145, MedGen C0677776, MeSH D061325, MONDO:0003582. Disease mechanism: loss of function.
Breast-ovarian cancer, familial, susceptibility to, 1 (BROVCA1). Also called: BRCA1 Hereditary Breast and Ovarian Cancer; OVARIAN CANCER, SUSCEPTIBILITY TO. Identifiers: Orphanet 145, MedGen C2676676, MONDO:0011450, OMIM 604370. Disease mechanism: loss of function.

Submissions (7):

Labcorp Genetics (formerly Invitae), Labcorp
Classification: Uncertain significance for Hereditary breast ovarian cancer syndrome. Last evaluated: 2026-01-11. Review status: criteria provided, single submitter. Criteria: Invitae Variant Classification Sherloc (09022015). Collection method: clinical testing. Allele origin: germline.
Comment: This sequence change replaces methionine, which is neutral and non-polar, with leucine, which is neutral and non-polar, at codon 1324 of the BRCA1 protein (p.Met1324Leu). This variant is not present in population databases (gnomAD no frequency). This variant has not been reported in the literature in individuals affected with BRCA1-related conditions. ClinVar contains an entry for this variant (Variation ID: 142109). Invitae Evidence Modeling of protein sequence and biophysical properties (such as structural, functional, and spatial information, amino acid conservation, physicochemical variation, residue mobility, and thermodynamic stability) indicates that this missense variant is not expected to disrupt BRCA1 protein function with a negative predictive value of 80%. In summary, the available evidence is currently insufficient to determine the role of this variant in disease. Therefore, it has been classified as a Variant of Uncertain Significance.

Quest Diagnostics Nichols Institute San Juan Capistrano
Classification: Uncertain significance. Last evaluated: 2025-08-19. Review status: criteria provided, single submitter. Criteria: Quest Diagnostics criteria. Collection method: clinical testing. Allele origin: unknown.
Comment: The BRCA1 c.3970A>T (p.Met1324Leu) variant has been reported in the published literature in individuals undergoing multigene panel testing (PMID: 31853058 (2020)), and described to be located in a region of the BRCA1 gene that is tolerant to missense sequence changes (PMID: 31911673 (2020)). This variant has not been reported in large, multi-ethnic general populations (Genome Aggregation Database). Analysis of this variant using bioinformatics tools for the prediction of the effect of amino acid changes on protein structure and function yielded predictions that this variant is benign. Based on the available information, we are unable to determine the clinical significance of this variant.

Ambry Genetics
Classification: Uncertain significance for Hereditary cancer-predisposing syndrome. Last evaluated: 2025-07-01. Review status: criteria provided, single submitter. Criteria: Ambry Variant Classification Scheme 2023. Collection method: clinical testing. Allele origin: germline.
Comment: The p.M1324L variant (also known as c.3970A>T), located in coding exon 9 of the BRCA1 gene, results from an A to T substitution at nucleotide position 3970. The methionine at codon 1324 is replaced by leucine, an amino acid with highly similar properties. This amino acid position is poorly conserved in available vertebrate species. In addition, this alteration is predicted to be tolerated by in silico analysis. Since supporting evidence is limited at this time, the clinical significance of this alteration remains unclear.

University of Washington Department of Laboratory Medicine, University of Washington
Classification: Likely benign for Hereditary cancer-predisposing syndrome. Last evaluated: 2023-03-23. Review status: criteria provided, single submitter. Criteria: Dines et al. (Genet Med. 2020). Collection method: curation. Allele origin: germline.
Comment: Missense variant in a coldspot region where missense variants are very unlikely to be pathogenic (PMID:31911673).

BRCA1 coldspot (exon 11 using historical exon numbering). Reclassification based on statistical prior probability

Women's Health and Genetics/Laboratory Corporation of America, LabCorp
Classification: Uncertain significance. Last evaluated: 2021-03-14. Review status: criteria provided, single submitter. Criteria: LabCorp Variant Classification Summary - May 2015. Collection method: clinical testing. Allele origin: germline.
Comment: Variant summary: BRCA1 c.3970A>T (p.Met1324Leu) results in a conservative amino acid change in the encoded protein sequence. Five of five in-silico tools predict a benign effect of the variant on protein function. The variant was absent in 251276 control chromosomes. The available data on variant occurrences in the general population are insufficient to allow any conclusion about variant significance. To our knowledge, no occurrence of c.3970A>T in individuals affected with Hereditary Breast And Ovarian Cancer Syndrome and no experimental evidence demonstrating its impact on protein function have been reported. Five clinical diagnostic laboratories have submitted clinical-significance assessments for this variant to ClinVar after 2014 without evidence for independent evaluation. All laboratories classified the variant as uncertain significance. Based on the evidence outlined above, the variant was classified as uncertain significance.

Color Diagnostics, LLC DBA Color Health
Classification: Uncertain significance for Hereditary cancer-predisposing syndrome. Last evaluated: 2021-02-14. Review status: criteria provided, single submitter. Criteria: ACMG Guidelines, 2015. Collection method: clinical testing. Allele origin: germline.
Comment: This missense variant replaces methionine with leucine at codon 1324 of the BRCA1 protein. Computational prediction suggests that this variant may not impact protein structure and function (internally defined REVEL score threshold <= 0.5, PMID: 27666373). To our knowledge, functional studies have not been reported for this variant. This variant has not been reported in individuals affected with hereditary cancer in the literature. This variant has not been identified in the general population by the Genome Aggregation Database (gnomAD). The available evidence is insufficient to determine the role of this variant in disease conclusively. Therefore, this variant is classified as a Variant of Uncertain Significance.

Counsyl
Classification: Uncertain significance for Breast-ovarian cancer, familial, susceptibility to, 1. Last evaluated: 2018-03-22. Review status: no assertion criteria provided. Collection method: clinical testing. Allele origin: unknown. Not counted in ClinVar's aggregate classification.

Literature cited by the submitters: PubMed 31853058 (cited by Quest Diagnostics Nichols Institute San Juan Capistrano); PubMed 31911673 (cited by Quest Diagnostics Nichols Institute San Juan Capistrano).

NM_007294.4(BRCA1):c.3970A>T (p.Met1324Leu)

Genes: BRCA1 (BRCA1 DNA repair associated; minus strand), LOC126862571 (BRD4-independent group 4 enhancer GRCh37_chr17:41243136-41244335; plus strand). Cytogenetic location: 17q21.31.
Variant type: single nucleotide variant.
Coding change: c.3970A>T on transcript NM_007294.4 (MANE Select); coding-DNA position 3970, A replaced by T.
Protein change: p.Met1324Leu; replaces methionine 1324 with leucine.
Molecular consequence: missense variant. On other transcripts: intron variant (135).
Genome position (GRCh38, 1-based): chr17:43,091,561, T>A on the plus strand (A>T on the coding strand, the complement: BRCA1 is on the minus strand). VCF-style: chr17-43091561-T-A. GRCh37 (hg19) VCF-style: chr17-41243578-T-A.
Other names: c.3634A>T, p.Met1212Leu (NM_001407954.1, NM_001407955.1, NM_001407956.1 and 1 more transcripts); c.3637A>T, p.Met1213Leu (NM_001407957.1, NM_001407946.1, NM_001407947.1 and 6 more transcripts); c.3589A>T, p.Met1197Leu (NM_001407959.1, NM_001407960.1, NM_001407963.1); c.3586A>T, p.Met1196Leu (NM_001407962.1); c.3826A>T, p.Met1276Leu (NM_001407964.1, NM_001407740.1, NM_001407741.1 and 20 more transcripts); c.3466A>T, p.Met1156Leu (NM_001407965.1); c.3082A>T, p.Met1028Leu (NM_001407966.1, NM_001407967.1); c.1366A>T, p.Met456Leu (NM_001407968.1, NM_001407969.1); and 41 more; short protein forms M1324L, M1277L, M1028L, M1212L, M1235L, M1236L, M1256L, M1323L.
Identifiers: ClinVar variation 142109 (VCV000142109.26), dbSNP rs587782241, ClinGen allele CA002546.